The following is an entry in ClinVar:

NM_001365999.1(SZT2):c.7743-4A>G

Gene: SZT2 (SZT2 subunit of KICSTOR complex; plus strand). Cytogenetic location: 1p34.2.
Variant type: single nucleotide variant.
Coding change: c.7743-4A>G on transcript NM_001365999.1 (MANE Select); 4 bases into the intron before coding-DNA position 7743, A replaced by G.
Molecular consequence: intron variant.
Genome position (GRCh38, 1-based): chr1:43,441,996, A>G. VCF-style: chr1-43441996-A-G. GRCh37 (hg19) VCF-style: chr1-43907667-A-G.
Other names: c.7572-4A>G (NM_015284.4).
Identifiers: ClinVar variation 659114 (VCV000659114.10), dbSNP rs368440874, ClinGen allele CA810326.
Genomic context (GRCh38, chr1:43,441,996, plus strand): 5'-GGTGAAGGCTAGGCCAGGGAGTGGTGTCATGGATGGCCTTTCTGTCTGTCCTCCCTTTCA[A>G]TAGGGGTTCAGAGCCAGAGATCTTCGGCCCTTGTTCCCCTGGGCAACTGGGCCCCTCTCC-3'

ClinVar aggregate classification (germline): Uncertain significance. Review status: criteria provided, multiple submitters, no conflicts (2 of 4 stars). 5 submissions from 5 submitters: Uncertain significance (5). Last evaluated 2025-09-09.

Conditions:
Developmental and epileptic encephalopathy, 18 (DEE18). Also called: Early infantile epileptic encephalopathy 18. Identifiers: Orphanet 369894, MedGen C3809624, MONDO:0014201, OMIM 615476.
Inborn genetic diseases. Identifiers: MedGen C0950123, MeSH D030342.

Allele frequency attached by ClinVar (database versions not stated): ESP Exome Variant Server 0.00015; gnomAD 0.00004; gnomAD exomes 0.00001 and 0.00004; ExAC 0.00001; TOPMed 0.00006.
gnomAD v4.1: 65 of 1,610,740 alleles (0.004%); highest among the groups gnomAD compares: Non-Finnish European, 0.0048%; no homozygotes.

Submissions (5):

GeneDx
Classification: Uncertain significance. Last evaluated: 2025-09-09. Review status: criteria provided, single submitter. Criteria: GeneDx Variant Classification Process June 2021. Collection method: clinical testing. Allele origin: germline. Affected: yes.
Comment: Not observed at a significant frequency in large population cohorts (gnomAD); In silico analysis supports a deleterious effect on splicing; Has not been previously published as pathogenic or benign to our knowledge

Genome-Nilou Lab
Classification: Uncertain significance for Developmental and epileptic encephalopathy, 18. Last evaluated: 2023-04-11. Review status: criteria provided, single submitter. Criteria: ACMG Guidelines, 2015. Collection method: clinical testing. Allele origin: germline. Affected: no.

Labcorp Genetics (formerly Invitae), Labcorp
Classification: Uncertain significance. Last evaluated: 2022-07-12. Review status: criteria provided, single submitter. Criteria: Invitae Variant Classification Sherloc (09022015). Collection method: clinical testing. Allele origin: germline.
Comment: This sequence change falls in intron 54 of the SZT2 gene. It does not directly change the encoded amino acid sequence of the SZT2 protein. This variant is present in population databases (rs368440874, gnomAD 0.003%). This variant has not been reported in the literature in individuals affected with SZT2-related conditions. ClinVar contains an entry for this variant (Variation ID: 659114). Algorithms developed to predict the effect of sequence changes on RNA splicing suggest that this variant may create or strengthen a splice site. In summary, the available evidence is currently insufficient to determine the role of this variant in disease. Therefore, it has been classified as a Variant of Uncertain Significance.

Ambry Genetics
Classification: Uncertain significance for Inborn genetic diseases. Last evaluated: 2020-06-12. Review status: criteria provided, single submitter. Criteria: Ambry Variant Classification Scheme 2023. Collection method: clinical testing. Allele origin: germline.
Comment: The c.7572-4A>G intronic variant results from an A to G substitution 4 nucleotides upstream from coding exon 55 in the SZT2 gene. This nucleotide position is poorly conserved in available vertebrate species. Using two different splice site prediction tools, this alteration is predicted by ESEfinder to create a new alternate splice acceptor site, but BDGP does not predict the creation of a non-native acceptor site, nor a deleterious effect on splicing; however, direct evidence is unavailable. Since supporting evidence is limited at this time, the clinical significance of this alteration remains unclear.

Athena Diagnostics
Classification: Uncertain significance. Last evaluated: 2018-09-24. Review status: criteria provided, single submitter. Criteria: Athena Diagnostics Criteria. Collection method: clinical testing. Allele origin: germline.